The following is an entry in ClinVar:

ClinVar aggregate classification (germline): Uncertain significance (1 of 4 stars; one submission).

Conditions:
Cardiovascular phenotype. Identifiers: MedGen CN230736.

Submission:

Ambry Genetics
Classification: Uncertain significance for Cardiovascular phenotype. Last evaluated: 2024-06-03. Review status: criteria provided, single submitter. Criteria: Ambry Variant Classification Scheme 2023. Collection method: clinical testing. Allele origin: germline.
Comment: The p.P2089S variant (also known as c.6265C>T), located in coding exon 2 of the ZNF469 gene, results from a C to T substitution at nucleotide position 6265. The proline at codon 2089 is replaced by serine, an amino acid with similar properties. This amino acid position is conserved. In addition, this alteration is predicted to be tolerated by in silico analysis. Based on the available evidence, the clinical significance of this variant remains unclear.

NM_001367624.2(ZNF469):c.6349C>T (p.Pro2117Ser)

Gene: ZNF469 (zinc finger protein 469; plus strand). Cytogenetic location: 16q24.2.
Variant type: single nucleotide variant.
Coding change: c.6349C>T on transcript NM_001367624.2 (MANE Select); coding-DNA position 6349, C replaced by T.
Protein change: p.Pro2117Ser; replaces proline 2117 with serine.
Molecular consequence: missense variant.
Genome position (GRCh38, 1-based): chr16:88,433,819, C>T. VCF-style: chr16-88433819-C-T. GRCh37 (hg19) VCF-style: chr16-88500227-C-T.
Other names: NM_001127464.1:c.6265C>T; short protein forms P2117S.
Identifiers: ClinVar variation 3258275 (VCV003258275.1).